The following is an entry in ClinVar:

NM_004304.5(ALK):c.2456G>A (p.Gly819Glu)

Gene: ALK (ALK receptor tyrosine kinase; minus strand). Cytogenetic location: 2p23.2.
Variant type: single nucleotide variant.
Coding change: c.2456G>A on transcript NM_004304.5 (MANE Select); coding-DNA position 2456, G replaced by A.
Protein change: p.Gly819Glu; replaces glycine 819 with glutamic acid.
Molecular consequence: missense variant.
Genome position (GRCh38, 1-based): chr2:29,233,596, C>T on the plus strand (G>A on the coding strand, the complement: ALK is on the minus strand). VCF-style: chr2-29233596-C-T. GRCh37 (hg19) VCF-style: chr2-29456462-C-T.
Other names: short protein forms G819E.
Identifiers: ClinVar variation 2791219 (VCV002791219.3), dbSNP rs2465989666, ClinGen allele CA346472147.

ClinVar aggregate classification (germline): Uncertain significance (1 of 4 stars; one submission).

Conditions:
Neuroblastoma, susceptibility to, 3. Also called: ALK-Related Neuroblastic Tumor Susceptibility. Identifiers: Orphanet 635, MedGen C2751681, MONDO:0013083, OMIM 613014.

Submission:

Labcorp Genetics (formerly Invitae), Labcorp
Classification: Uncertain significance for Neuroblastoma, susceptibility to, 3. Last evaluated: 2023-02-16. Review status: criteria provided, single submitter. Criteria: Invitae Variant Classification Sherloc (09022015). Collection method: clinical testing. Allele origin: germline.
Comment: In summary, the available evidence is currently insufficient to determine the role of this variant in disease. Therefore, it has been classified as a Variant of Uncertain Significance. An algorithm developed to predict the effect of missense changes on protein structure and function (PolyPhen-2) suggests that this variant is likely to be disruptive. This variant has not been reported in the literature in individuals affected with ALK-related conditions. This variant is not present in population databases (gnomAD no frequency). This sequence change replaces glycine, which is neutral and non-polar, with glutamic acid, which is acidic and polar, at codon 819 of the ALK protein (p.Gly819Glu).